The following is an entry in ClinVar:

NM_145068.4(TRPV3):c.*2485G>A

Genes: TRPV3 (transient receptor potential cation channel subfamily V member 3; minus strand), SPATA22 (spermatogenesis associated 22; minus strand). Cytogenetic location: 17p13.2.
Variant type: single nucleotide variant.
Coding change: c.*2485G>A on transcript NM_145068.4 (MANE Select); 2485 bases downstream of the stop codon, G replaced by A.
Molecular consequence: 3 prime UTR variant. On other transcripts: intron variant (2).
Genome position (GRCh38, 1-based): chr17:3,511,432, C>T on the plus strand (G>A on the coding strand, the complement: TRPV3 is on the minus strand). VCF-style: chr17-3511432-C-T. GRCh37 (hg19) VCF-style: chr17-3414726-C-T.
Other names: c.*2485G>A (NM_001258205.2); c.-74+1980G>A (NM_001321336.2, NM_001321337.2).
Identifiers: ClinVar variation 890881 (VCV000890881.6), dbSNP rs146338415, ClinGen allele CA286987385.

ClinVar aggregate classification (germline): Benign (1 of 4 stars; one submission).

Conditions:
Isolated focal non-epidermolytic palmoplantar keratoderma. Also called: Palmoplantar keratoderma, nonepidermolytic, focal 2. Identifiers: Orphanet 448264, MedGen C4225339, MONDO:0014622, OMIM 616400.

Allele frequency attached by ClinVar (database versions not stated): gnomAD 0.00103 and 0.00106; TOPMed 0.00128; 1000 Genomes Project 0.00180; 1000 Genomes Project 30x 0.00141.

Submission:

Illumina Laboratory Services, Illumina
Classification: Benign for Isolated focal non-epidermolytic palmoplantar keratoderma. Last evaluated: 2018-01-12. Review status: criteria provided, single submitter. Criteria: ICSL Variant Classification Criteria 13 December 2019. Collection method: clinical testing. Allele origin: germline.
Comment: This variant was observed in the ICSL laboratory as part of a predisposition screen in an ostensibly healthy population. It had not been previously curated by ICSL or reported in the Human Gene Mutation Database (HGMD: prior to June 1st, 2018), and was therefore a candidate for classification through an automated scoring system. Utilizing variant allele frequency, disease prevalence and penetrance estimates, and inheritance mode, an automated score was calculated to assess if this variant is too frequent to cause the disease. Based on the score and internal cut-off values, a variant classified as benign is not then subjected to further curation. The score for this variant resulted in a classification of benign for this disease.